The following is an entry in ClinVar:

ClinVar aggregate classification (germline): Benign/Likely benign. Review status: criteria provided, multiple submitters, no conflicts (2 of 4 stars). 3 submissions from 3 submitters: Benign (1); Likely benign (2). Last evaluated 2026-02-01.

Submissions (3):

CeGaT Center for Human Genetics Tuebingen
Classification: Likely benign. Last evaluated: 2026-02-01. Review status: criteria provided, single submitter. Criteria: CeGaT Center For Human Genetics Tuebingen Variant Classification Criteria Version 2. Collection method: clinical testing. Allele origin: germline. Affected: yes. Observed: 3 variant alleles.
Comment: TENT5A: BS2

Labcorp Genetics (formerly Invitae), Labcorp
Classification: Benign. Last evaluated: 2026-01-26. Review status: criteria provided, single submitter. Criteria: Invitae Variant Classification Sherloc (09022015). Collection method: clinical testing. Allele origin: germline.

Blueprint Genetics
Classification: Likely benign. Last evaluated: 2024-11-23. Review status: criteria provided, single submitter. Criteria: ACMG Guidelines, 2015. Collection method: clinical testing. Allele origin: germline.

NM_017633.3(TENT5A):c.72CGGCGACTTCGGCGG[2] (p.26DFGGG[2])

Gene: TENT5A (terminal nucleotidyltransferase 5A; minus strand). Cytogenetic location: 6q14.1.
Variant type: Microsatellite.
Coding change: c.72CGGCGACTTCGGCGG[2] on transcript NM_017633.3 (MANE Select); two copies in a row of the 15-base unit CGGCGACTTCGGCGG starting at c.72; the reference has four copies in a row; two copies, 30 bases deleted.
Protein change: p.26DFGGG[2].
Molecular consequence: inframe deletion.
Genome position (GRCh38, 1-based): chr6:81,752,011-81,752,040, CCGCCGAAGTCGCCGCCGCCGAAGTCGCCG deleted on the plus strand (CGGCGACTTCGGCGGCGGCGACTTCGGCGG on the coding strand, the reverse complement: TENT5A is on the minus strand); deleting any 30 consecutive bases within chr6:81,752,011-81,752,072 gives the same sequence; the position shown is the placement nearest the transcript's 3' end. VCF-style (leftmost placement, unchanged base first): chr6-81752010-ACCGCCGAAGTCGCCGCCGCCGAAGTCGCCG-A. GRCh37 (hg19) VCF-style: chr6-82461727-ACCGCCGAAGTCGCCGCCGCCGAAGTCGCCG-A.
Identifiers: ClinVar variation 1165050 (VCV001165050.16), dbSNP rs754008809, ClinGen allele CA3903070.